The following is an entry in ClinVar:

NC_000002.11:g.(?_110958978)_(110962545_?)del

Gene: NPHP1 (nephrocystin 1; minus strand). Cytogenetic location: 2q13.
Variant type: Deletion.
Identifiers: ClinVar variation 3247200 (VCV003247200.1).

ClinVar aggregate classification (germline): Pathogenic (1 of 4 stars; one submission).

Conditions:
Nephronophthisis. Also called: Juvenile Nephronophthisis. Identifiers: Orphanet 655, MedGen C0687120, MONDO:0019005, HP:0000090.

Submission:

Labcorp Genetics (formerly Invitae), Labcorp
Classification: Pathogenic for Nephronophthisis. Last evaluated: 2023-12-10. Review status: criteria provided, single submitter. Criteria: Invitae Variant Classification Sherloc (09022015). Collection method: clinical testing. Allele origin: unknown.
Comment: This variant is a gross deletion of the genomic region encompassing exon(s) 1-2 of the NPHP1 gene, which includes the initiator codon. This deletion extends beyond the assayed region for this gene and therefore may encompass additional genes. It is expected to result in an absent or disrupted protein product. Loss-of-function variants in NPHP1 are known to be pathogenic (PMID: 23559409). This variant has not been reported in the literature in individuals affected with NPHP1-related conditions. For these reasons, this variant has been classified as Pathogenic.

Literature cited by the submitters: PubMed 23559409.